The following is an entry in ClinVar:

ClinVar aggregate classification (germline): Likely pathogenic (1 of 4 stars; one submission).

Conditions:
KCNQ2-Related Disorders. Also called: KCNQ2-related condition; KCNQ2-related disorder. Identifiers: MedGen CN169299.

Submission:

PreventionGenetics, part of Exact Sciences
Classification: Likely pathogenic for KCNQ2-related condition. Last evaluated: 2026-01-20. Review status: criteria provided, single submitter. Criteria: ACMG Guidelines, 2015. Collection method: clinical testing. Allele origin: germline.
Comment: The KCNQ2 c.1993G>T variant is predicted to result in premature protein termination (p.Glu665*). To our knowledge, this variant has not been reported in the literature or in a large population database (gnomAD), indicating this variant is rare. Nonsense variants in KCNQ2 are expected to be pathogenic. This variant is within the last exon and may not result in nonsense mediated decay, however downstream loss-of-function variants have been reported to be causative. This variant is interpreted as likely pathogenic.

NM_172107.4(KCNQ2):c.1993G>T (p.Glu665Ter)

Gene: KCNQ2 (potassium voltage-gated channel subfamily Q member 2; minus strand). Cytogenetic location: 20q13.33.
Variant type: single nucleotide variant.
Coding change: c.1993G>T on transcript NM_172107.4 (MANE Select); coding-DNA position 1993, G replaced by T.
Protein change: p.Glu665Ter; replaces glutamic acid 665 with a stop codon.
Molecular consequence: nonsense.
Genome position (GRCh38, 1-based): chr20:63,407,270, C>A on the plus strand (G>T on the coding strand, the complement: KCNQ2 is on the minus strand). VCF-style: chr20-63407270-C-A. GRCh37 (hg19) VCF-style: chr20-62038623-C-A.
Other names: c.2047G>T, p.Glu683Ter (NM_001382235.1); c.1936G>T, p.Glu646Ter (NM_001439003.1); c.1906G>T, p.Glu636Ter (NM_001439004.1); c.1909G>T, p.Glu637Ter (NM_004518.6); c.1939G>T, p.Glu647Ter (NM_172106.3); c.1900G>T, p.Glu634Ter (NM_172108.5); short protein forms E647*, E636*, E683*, E634*, E637*, E646*, E665*.
Identifiers: ClinVar variation 4994870 (VCV004994870.1).